The following is an entry in ClinVar:

NM_021620.4(PRDM13):c.1108G>A (p.Gly370Arg)

Genes: PRDM13 (PR/SET domain 13; plus strand), LOC129996881 (ATAC-STARR-seq lymphoblastoid silent region 17422; plus strand). Cytogenetic location: 6q16.2.
Variant type: single nucleotide variant.
Coding change: c.1108G>A on transcript NM_021620.4 (MANE Select); coding-DNA position 1108, G replaced by A.
Protein change: p.Gly370Arg; replaces glycine 370 with arginine.
Molecular consequence: missense variant.
Genome position (GRCh38, 1-based): chr6:99,613,743, G>A. VCF-style: chr6-99613743-G-A. GRCh37 (hg19) VCF-style: chr6-100061619-G-A.
Other names: short protein forms G370R.
Identifiers: ClinVar variation 1478767 (VCV001478767.6), dbSNP rs1179500912, ClinGen allele CA365117729.

ClinVar aggregate classification (germline): Uncertain significance (1 of 4 stars; one submission).

Allele frequency attached by ClinVar (database versions not stated): gnomAD exomes below 0.00001; gnomAD 0.00001.
gnomAD v4.1: 3 of 1,480,950 alleles (0.0002%); highest among the groups gnomAD compares: Non-Finnish European, 0.00027%; no homozygotes.

Submission:

Labcorp Genetics (formerly Invitae), Labcorp
Classification: Uncertain significance. Last evaluated: 2024-01-31. Review status: criteria provided, single submitter. Criteria: Invitae Variant Classification Sherloc (09022015). Collection method: clinical testing. Allele origin: germline.
Comment: This sequence change replaces glycine, which is neutral and non-polar, with arginine, which is basic and polar, at codon 370 of the PRDM13 protein (p.Gly370Arg). This variant is not present in population databases (gnomAD no frequency). This variant has not been reported in the literature in individuals affected with PRDM13-related conditions. ClinVar contains an entry for this variant (Variation ID: 1478767). An algorithm developed to predict the effect of missense changes on protein structure and function (PolyPhen-2) suggests that this variant is likely to be disruptive. In summary, the available evidence is currently insufficient to determine the role of this variant in disease. Therefore, it has been classified as a Variant of Uncertain Significance.